The following is an entry in ClinVar:

ClinVar aggregate classification (germline): Conflicting classifications of pathogenicity. Review status: criteria provided, conflicting classifications (1 of 4 stars). 3 submissions from 3 submitters: Uncertain significance (2); Likely benign (1). Last evaluated 2026-01-07.

Conditions:
Hereditary cancer-predisposing syndrome. Also called: Neoplastic Syndromes, Hereditary; Tumor predisposition; Hereditary neoplastic syndrome; Hereditary Cancer Syndrome. Identifiers: Orphanet 140162, MedGen C0027672, MeSH D009386, MONDO:0015356.
Retinoblastoma (RB1). Also called: RETINOBLASTOMA, SOMATIC. Identifiers: Orphanet 790, MedGen C0035335, MeSH D012175, MONDO:0008380, OMIM 180200, HP:0009919. Disease mechanism: loss of function. Inheritance: Both sporadic and heritable forms are tested..

Allele frequency attached by ClinVar (database versions not stated): TOPMed below 0.00001; gnomAD 0.00001; gnomAD exomes 0.00002.
gnomAD v4.1: 31 of 1,611,958 alleles (0.0019%); highest among the groups gnomAD compares: Non-Finnish European, 0.0025%; no homozygotes.

Submissions (3):

Labcorp Genetics (formerly Invitae), Labcorp
Classification: Likely benign for Retinoblastoma. Last evaluated: 2026-01-07. Review status: criteria provided, single submitter. Criteria: Invitae Variant Classification Sherloc (09022015). Collection method: clinical testing. Allele origin: germline.

Ambry Genetics
Classification: Uncertain significance for Hereditary cancer-predisposing syndrome. Last evaluated: 2025-03-18. Review status: criteria provided, single submitter. Criteria: Ambry Variant Classification Scheme 2023. Collection method: clinical testing. Allele origin: germline.
Comment: The p.F132Y variant (also known as c.395T>A), located in coding exon 4 of the RB1 gene, results from a T to A substitution at nucleotide position 395. The phenylalanine at codon 132 is replaced by tyrosine, an amino acid with highly similar properties. This alteration was identified in 0/1358 non-cancer control individuals and in 1/57 cases, in a study looking at cancer predisposition mutations in patients with cutaneous melanoma and a history of at least two additional non-cutaneous melanoma primary cancers (Pritchard AL et al. PLoS One, 2018 Apr;13:e0194098). This amino acid position is well conserved in available vertebrate species. In addition, this alteration is predicted to be tolerated by in silico analysis. Since supporting evidence is limited at this time, the clinical significance of this alteration remains unclear.

All of Us Research Program, National Institutes of Health
Classification: Uncertain significance for Retinoblastoma. Last evaluated: 2023-06-08. Review status: criteria provided, single submitter. Criteria: ACMG Guidelines, 2015. Collection method: clinical testing. Allele origin: germline. Inheritance: Autosomal dominant inheritance. Observed: 1 variant allele, 1 heterozygote.
Comment: This missense variant replaces phenylalanine with tyrosine at codon 132 of the RB1 protein. Computational prediction suggests that this variant may not impact protein structure and function (internally defined REVEL score threshold <= 0.5, PMID: 27666373). To our knowledge, functional studies have not been reported for this variant. This variant has not been reported in individuals affected with hereditary cancer in the literature. This variant has been identified in 1/31396 chromosomes in the general population by the Genome Aggregation Database (gnomAD). The available evidence is insufficient to determine the role of this variant in disease conclusively. Therefore, this variant is classified as a Variant of Uncertain Significance.

This study involves interpretation of variants in research participants for the purpose of population health screening. Participant phenotype was not available at the time of variant classification. Additional details can be found in publication PMID: 35346344, PMCID: PMC8962531

Literature cited by the submitters: PubMed 29641532 (cited by Ambry Genetics).

NM_000321.3(RB1):c.395T>A (p.Phe132Tyr)

Gene: RB1 (RB transcriptional corepressor 1; plus strand). Cytogenetic location: 13q14.2.
Variant type: single nucleotide variant.
Coding change: c.395T>A on transcript NM_000321.3 (MANE Select); coding-DNA position 395, T replaced by A.
Protein change: p.Phe132Tyr; replaces phenylalanine 132 with tyrosine.
Molecular consequence: missense variant.
Genome position (GRCh38, 1-based): chr13:48,345,094, T>A. VCF-style: chr13-48345094-T-A. GRCh37 (hg19) VCF-style: chr13-48919230-T-A.
Other names: short protein forms F132Y.
Identifiers: ClinVar variation 824431 (VCV000824431.13), dbSNP rs762380973, ClinGen allele CA249846374.